The following is an entry in ClinVar:

NM_007118.4(TRIO):c.5204-3C>G

Gene: TRIO (trio Rho guanine nucleotide exchange factor; plus strand). Cytogenetic location: 5p15.2.
Variant type: single nucleotide variant.
Coding change: c.5204-3C>G on transcript NM_007118.4 (MANE Select); 3 bases into the intron before coding-DNA position 5204, C replaced by G.
Molecular consequence: intron variant.
Genome position (GRCh38, 1-based): chr5:14,461,016, C>G. VCF-style: chr5-14461016-C-G. GRCh37 (hg19) VCF-style: chr5-14461125-C-G.
Identifiers: ClinVar variation 3068362 (VCV003068362.2), dbSNP rs766080758, ClinGen allele CA2825001407.

ClinVar aggregate classification (germline): Uncertain significance. Review status: criteria provided, single submitter (1 of 4 stars). 2 submissions from 2 submitters: Uncertain significance (1). 1 of the submissions does not count toward it. Last evaluated 2023-01-25.

Conditions:
Intellectual developmental disorder, autosomal dominant 44, with microcephaly. Also called: TRIO-Related Intellectual Disability; Micrognathia-recurrent infections-behavioral abnormalities-mild intellectual disability syndrome. Identifiers: Orphanet 476126, MedGen C4310740, MONDO:0014892, OMIM 617061.

Submissions (2):

MVZ Medizinische Genetik Mainz
Classification: Uncertain significance for Intellectual developmental disorder, autosomal dominant 44, with microcephaly. Last evaluated: 2023-01-25. Review status: criteria provided, single submitter. Criteria: UK Practice Guidelines For Variant Classification V4 01 2020. Collection method: clinical testing. Allele origin: germline. Inheritance: Autosomal dominant inheritance. Affected: yes. Observed: 1 variant allele.
Comment: ACMG Criteria: PM2_SUP, PP3 (ACMG Version 4)

Clinical Genetics Laboratory, University Hospital Schleswig-Holstein
Classification: Uncertain significance for Intellectual developmental disorder, autosomal dominant 44, with microcephaly. Last evaluated: 2024-01-17. Review status: no assertion criteria provided. Collection method: clinical testing. Allele origin: germline. Affected: yes. Not counted in ClinVar's aggregate classification.